The following is an entry in ClinVar:

ClinVar aggregate classification (germline): Uncertain significance (1 of 4 stars; one submission).

Conditions:
Primary dilated cardiomyopathy (DCM). Also called: Dilated Cardiomyopathy. Identifiers: Orphanet 217604, MedGen C0007193, MeSH D002311, MONDO:0005021, HP:0001644. Inheritance: Various modes of inheritance.

Allele frequency attached by ClinVar (database versions not stated): gnomAD exomes below 0.00001.
gnomAD v4.1: 1 of 1,602,872 alleles (0.000062%); highest among the groups gnomAD compares: Non-Finnish European, 0.000085%; no homozygotes.

Submission:

Labcorp Genetics (formerly Invitae), Labcorp
Classification: Uncertain significance for Primary dilated cardiomyopathy. Last evaluated: 2022-03-18. Review status: criteria provided, single submitter. Criteria: Invitae Variant Classification Sherloc (09022015). Collection method: clinical testing. Allele origin: germline.
Comment: Algorithms developed to predict the effect of missense changes on protein structure and function (SIFT, PolyPhen-2, Align-GVGD) all suggest that this variant is likely to be tolerated. In summary, the available evidence is currently insufficient to determine the role of this variant in disease. Therefore, it has been classified as a Variant of Uncertain Significance. This variant has not been reported in the literature in individuals affected with NEBL-related conditions. This sequence change replaces phenylalanine, which is neutral and non-polar, with valine, which is neutral and non-polar, at codon 397 of the NEBL protein (p.Phe397Val). This variant is not present in population databases (gnomAD no frequency).

NM_006393.3(NEBL):c.1189T>G (p.Phe397Val)

Gene: NEBL (nebulette; minus strand). Cytogenetic location: 10p12.31.
Variant type: single nucleotide variant.
Coding change: c.1189T>G on transcript NM_006393.3 (MANE Select); coding-DNA position 1189, T replaced by G.
Protein change: p.Phe397Val; replaces phenylalanine 397 with valine.
Molecular consequence: missense variant. On other transcripts: intron variant (9).
Genome position (GRCh38, 1-based): chr10:20,845,296, A>C on the plus strand (T>G on the coding strand, the complement: NEBL is on the minus strand). VCF-style: chr10-20845296-A-C. GRCh37 (hg19) VCF-style: chr10-21134225-A-C.
Other names: c.250-32356T>G (NM_001377326.1, NM_001377327.1, NM_001377328.1); c.358-32356T>G (NM_213569.2, NM_001173484.2, NM_001377322.1); c.301-32356T>G (NM_001377324.1); c.292-32356T>G (NM_001377325.1); c.310-32356T>G (NM_001377323.1); short protein forms F397V.
Identifiers: ClinVar variation 2070568 (VCV002070568.4), dbSNP rs2491939238, ClinGen allele CA376099600.